The following is an entry in ClinVar:

NM_004453.4(ETFDH):c.1117-112A>G

Gene: ETFDH (electron transfer flavoprotein dehydrogenase; plus strand). Cytogenetic location: 4q32.1.
Variant type: single nucleotide variant.
Coding change: c.1117-112A>G on transcript NM_004453.4 (MANE Select); 112 bases into the intron before coding-DNA position 1117, A replaced by G.
Molecular consequence: intron variant.
Genome position (GRCh38, 1-based): chr4:158,703,311, A>G. VCF-style: chr4-158703311-A-G. GRCh37 (hg19) VCF-style: chr4-159624463-A-G.
Other names: c.976-112A>G (NM_001281737.2); c.934-112A>G (NM_001281738.1).
Identifiers: ClinVar variation 676334 (VCV000676334.2), dbSNP rs77408245, ClinGen allele CA108817154.

ClinVar aggregate classification (germline): Likely benign. Review status: criteria provided, multiple submitters, no conflicts (2 of 4 stars). 2 submissions from 2 submitters: Likely benign (2). Last evaluated 2018-06-19.

Allele frequency attached by ClinVar (database versions not stated): 1000 Genomes Project 0.01997; 1000 Genomes Project 30x 0.02108; gnomAD 0.02363 and 0.02379; TOPMed 0.02547; gnomAD exomes 0.03124.
gnomAD v4.1: 23,249 of 783,698 alleles (3%); highest among the groups gnomAD compares: Admixed American, 7.1%; 513 homozygotes.

Submissions (2):

GeneDx
Classification: Likely benign. Last evaluated: 2018-06-19. Review status: criteria provided, single submitter. Criteria: GeneDx Variant Classification (06012015). Collection method: clinical testing. Allele origin: germline. Affected: yes.
Comment: This variant is considered likely benign or benign based on one or more of the following criteria: it is a conservative change, it occurs at a poorly conserved position in the protein, it is predicted to be benign by multiple in silico algorithms, and/or has population frequency not consistent with disease.

Breakthrough Genomics
Classification: Likely benign. Review status: criteria provided, single submitter. Criteria: ACMG Guidelines, 2015. Collection method: not provided. Allele origin: germline. Inheritance: Autosomal recessive inheritance. Affected: yes.